The following is an entry in ClinVar:

NM_015048.1:c.150C>G

Gene: SETD1B (SET domain containing 1B, histone lysine methyltransferase; plus strand).
Variant type: single nucleotide variant.
Identifiers: ClinVar variation 4630584 (VCV004630584.1).

ClinVar aggregate classification (germline): Pathogenic (1 of 4 stars; one submission).

Conditions:
Inborn genetic diseases. Identifiers: MedGen C0950123, MeSH D030342.

Submission:

Ambry Genetics
Classification: Pathogenic for Inborn genetic diseases. Last evaluated: 2025-09-22. Review status: criteria provided, single submitter. Criteria: Ambry Variant Classification Scheme 2023. Collection method: clinical testing. Allele origin: germline.
Comment: The c.150C>G (p.Y50*) alteration, located in exon 1 (coding exon 1) of the SETD1B gene, consists of a C to G substitution at nucleotide position 150. This changes the amino acid from a tyrosine (Y) to a stop codon at amino acid position 50. This alteration is expected to result in loss of function by premature protein truncation or nonsense-mediated mRNA decay. This variant was not reported in population-based cohorts in the Genome Aggregation Database (gnomAD). Based on the available evidence, this alteration is classified as pathogenic.